The following is an entry in ClinVar:

ClinVar aggregate classification (germline): Benign/Likely benign. Review status: criteria provided, multiple submitters, no conflicts (2 of 4 stars). 5 submissions from 5 submitters: Benign (1); Likely benign (3). 1 of the submissions does not count toward it. Last evaluated 2026-02-01.

Conditions:
Inborn genetic diseases. Identifiers: MedGen C0950123, MeSH D030342.
EP300-related disorder. Also called: EP300-related condition; EP300-related disorders.
Rubinstein-Taybi syndrome due to EP300 haploinsufficiency. Also called: RUBINSTEIN-TAYBI SYNDROME 2; EP300-Related Rubinstein-Taybi Syndrome. Identifiers: Orphanet 353284, Orphanet 783, MedGen C3150941, MONDO:0013364, OMIM 613684.

Allele frequency attached by ClinVar (database versions not stated): TOPMed 0.00002; gnomAD 0.00003; gnomAD exomes 0.00004 and 0.00013; ExAC 0.00011.
gnomAD v4.1: 70 of 1,612,678 alleles (0.0043%); highest among the groups gnomAD compares: South Asian, 0.044%; no homozygotes.

Submissions (5):

CeGaT Center for Human Genetics Tuebingen
Classification: Likely benign. Last evaluated: 2026-02-01. Review status: criteria provided, single submitter. Criteria: CeGaT Center For Human Genetics Tuebingen Variant Classification Criteria Version 2. Collection method: clinical testing. Allele origin: germline. Affected: yes. Observed: 2 variant alleles.
Comment: EP300: BP4, BS2

Labcorp Genetics (formerly Invitae), Labcorp
Classification: Benign for Rubinstein-Taybi syndrome due to EP300 haploinsufficiency. Last evaluated: 2026-02-01. Review status: criteria provided, single submitter. Criteria: Invitae Variant Classification Sherloc (09022015). Collection method: clinical testing. Allele origin: germline.

Ambry Genetics
Classification: Likely benign for Inborn genetic diseases. Last evaluated: 2023-03-31. Review status: criteria provided, single submitter. Criteria: Ambry Variant Classification Scheme 2023. Collection method: clinical testing. Allele origin: germline.

Blueprint Genetics
Classification: Likely benign. Last evaluated: 2022-08-03. Review status: criteria provided, single submitter. Criteria: ACMG Guidelines, 2015. Collection method: clinical testing. Allele origin: germline.

PreventionGenetics, part of Exact Sciences
Classification: Likely benign for EP300-related condition. Last evaluated: 2022-04-13. Review status: no assertion criteria provided. Collection method: clinical testing. Allele origin: germline. Not counted in ClinVar's aggregate classification.
Comment: This variant is classified as likely benign based on ACMG/AMP sequence variant interpretation guidelines (Richards et al. 2015 PMID: 25741868, with internal and published modifications).

NM_001429.4(EP300):c.2744G>A (p.Arg915His)

Gene: EP300 (EP300 lysine acetyltransferase; plus strand). Cytogenetic location: 22q13.2.
Variant type: single nucleotide variant.
Coding change: c.2744G>A on transcript NM_001429.4 (MANE Select); coding-DNA position 2744, G replaced by A.
Protein change: p.Arg915His; replaces arginine 915 with histidine.
Molecular consequence: missense variant.
Genome position (GRCh38, 1-based): chr22:41,150,125, G>A. VCF-style: chr22-41150125-G-A. GRCh37 (hg19) VCF-style: chr22-41546129-G-A.
Other names: c.2666G>A, p.Arg889His (NM_001362843.2); short protein forms R889H, R915H.
Identifiers: ClinVar variation 772502 (VCV000772502.14), dbSNP rs748820220, ClinGen allele CA10252932.